The following is an entry in ClinVar:

ClinVar aggregate classification (germline): Uncertain significance (1 of 4 stars; one submission).

Allele frequency attached by ClinVar (database versions not stated): gnomAD 0.00001; TOPMed 0.00002; ExAC 0.00003.
gnomAD v4.1: 34 of 1,614,054 alleles (0.0021%); highest among the groups gnomAD compares: South Asian, 0.0033%; no homozygotes.

Submission:

Labcorp Genetics (formerly Invitae), Labcorp
Classification: Uncertain significance. Last evaluated: 2021-09-01. Review status: criteria provided, single submitter. Criteria: Invitae Variant Classification Sherloc (09022015). Collection method: clinical testing. Allele origin: germline.
Comment: This sequence change replaces arginine with glutamine at codon 2888 of the SZT2 protein (p.Arg2888Gln). The arginine residue is highly conserved and there is a small physicochemical difference between arginine and glutamine. This variant is present in population databases (rs767832774, ExAC 0.006%). This variant has not been reported in the literature in individuals affected with SZT2-related conditions. Algorithms developed to predict the effect of missense changes on protein structure and function (SIFT, PolyPhen-2, Align-GVGD) all suggest that this variant is likely to be disruptive. In summary, the available evidence is currently insufficient to determine the role of this variant in disease. Therefore, it has been classified as a Variant of Uncertain Significance.

NM_001365999.1(SZT2):c.8834G>A (p.Arg2945Gln)

Gene: SZT2 (SZT2 subunit of KICSTOR complex; plus strand). Cytogenetic location: 1p34.2.
Variant type: single nucleotide variant.
Coding change: c.8834G>A on transcript NM_001365999.1 (MANE Select); coding-DNA position 8834, G replaced by A.
Protein change: p.Arg2945Gln; replaces arginine 2945 with glutamine.
Molecular consequence: missense variant.
Genome position (GRCh38, 1-based): chr1:43,445,902, G>A. VCF-style: chr1-43445902-G-A. GRCh37 (hg19) VCF-style: chr1-43911573-G-A.
Other names: c.8663G>A, p.Arg2888Gln (NM_015284.4); short protein forms R2888Q, R2945Q.
Identifiers: ClinVar variation 953694 (VCV000953694.7), dbSNP rs767832774, ClinGen allele CA810717.